The following is an entry in ClinVar:

ClinVar aggregate classification (germline): Pathogenic. Review status: criteria provided, multiple submitters, no conflicts (2 of 4 stars). 2 submissions from 2 submitters: Pathogenic (2). Last evaluated 2024-03-25.

Conditions:
Argininosuccinate lyase deficiency. Also called: Argininosuccinic aciduria; ARGININOSUCCINIC ACID LYASE DEFICIENCY; ASL DEFICIENCY. Identifiers: Orphanet 23, MedGen C0268547, MONDO:0008815, OMIM 207900, HP:0025630.

Submissions (2):

Genomic Medicine Center of Excellence, King Faisal Specialist Hospital and Research Centre
Classification: Pathogenic for Argininosuccinate lyase deficiency. Last evaluated: 2024-03-25. Review status: criteria provided, single submitter. Criteria: ACMG Guidelines, 2015. Collection method: clinical testing. Allele origin: germline.

Baylor Genetics
Classification: Pathogenic for Argininosuccinate lyase deficiency. Last evaluated: 2019-12-13. Review status: criteria provided, single submitter. Criteria: ACMG Guidelines, 2015. Collection method: clinical testing. Allele origin: unknown. Affected: yes.
Comment: This variant was determined to be pathogenic according to ACMG Guidelines, 2015 [PMID:25741868].

NM_000048.4(ASL):c.602+1G>T

Gene: ASL (argininosuccinate lyase; plus strand). Cytogenetic location: 7q11.21.
Variant type: single nucleotide variant.
Coding change: c.602+1G>T on transcript NM_000048.4 (MANE Select); the canonical splice donor site of the intron after coding-DNA position 602, G replaced by T.
Molecular consequence: splice donor variant. On other transcripts: intron variant (1).
Genome position (GRCh38, 1-based): chr7:66,086,822, G>T. VCF-style: chr7-66086822-G-T. GRCh37 (hg19) VCF-style: chr7-65551809-G-T.
Other names: c.602+1G>T (NM_001024943.2, NM_001024944.2); c.524+160G>T (NM_001024946.2).
Identifiers: ClinVar variation 1028027 (VCV001028027.2), dbSNP rs398123127, ClinGen allele CA367642786.